The following is an entry in ClinVar:

ClinVar aggregate classification (germline): Likely benign (0 of 4 stars; one submission).

Conditions:
CHGB-related disorder. Also called: CHGB-related condition.

Allele frequency attached by ClinVar (database versions not stated): ExAC 0.00027; gnomAD 0.00053; ESP Exome Variant Server 0.00054; TOPMed 0.00054; gnomAD exomes 0.00087.
gnomAD v4.1: 1,415 of 1,614,044 alleles (0.088%); highest among the groups gnomAD compares: Non-Finnish European, 0.11%; 4 homozygotes.

Submission:

PreventionGenetics, part of Exact Sciences
Classification: Likely benign for CHGB-related condition. Last evaluated: 2019-08-13. Review status: no assertion criteria provided. Collection method: clinical testing. Allele origin: germline.
Comment: This variant is classified as likely benign based on ACMG/AMP sequence variant interpretation guidelines (Richards et al. 2015 PMID: 25741868, with internal and published modifications).

NM_001819.3(CHGB):c.1578C>T (p.Tyr526=)

Gene: CHGB (chromogranin B; plus strand). Cytogenetic location: 20p12.3.
Variant type: single nucleotide variant.
Coding change: c.1578C>T on transcript NM_001819.3 (MANE Select); coding-DNA position 1578, C replaced by T.
Protein change: p.Tyr526=; no amino-acid change (tyrosine 526 retained).
Molecular consequence: synonymous variant.
Genome position (GRCh38, 1-based): chr20:5,923,722, C>T. VCF-style: chr20-5923722-C-T. GRCh37 (hg19) VCF-style: chr20-5904368-C-T.
Identifiers: ClinVar variation 3053581 (VCV003053581.2), dbSNP rs138422072, ClinGen allele CA9755748.